The following is an entry in ClinVar:

NM_000969.5(RPL5):c.326T>C (p.Leu109Pro)

Genes: DIPK1A (divergent protein kinase domain 1A; minus strand), RPL5 (ribosomal protein L5; plus strand). Cytogenetic location: 1p22.1.
Variant type: single nucleotide variant.
Coding change: c.326T>C on transcript NM_000969.5 (MANE Select); coding-DNA position 326, T replaced by C.
Protein change: p.Leu109Pro; replaces leucine 109 with proline.
Molecular consequence: missense variant. On other transcripts: intron variant (1).
Genome position (GRCh38, 1-based): chr1:92,836,191, T>C. VCF-style: chr1-92836191-T-C. GRCh37 (hg19) VCF-style: chr1-93301748-T-C.
Other names: c.475-3157A>G (NM_001252273.2); short protein forms L109P.
Identifiers: ClinVar variation 238199 (VCV000238199.10), dbSNP rs878854146, ClinGen allele CA10581818.

ClinVar aggregate classification (germline): Likely pathogenic (1 of 4 stars; one submission).

Conditions:
Diamond-Blackfan anemia. Also called: Blackfan Diamond syndrome; Aregenerative anemia chronic congenital; Red cell aplasia, pure hereditary; Congenital hypoplastic anemia; Aase syndrome. Identifiers: Orphanet 124, MedGen C1260899, MeSH D029503, MONDO:0015253, HP:0004810.

Submission:

Labcorp Genetics (formerly Invitae), Labcorp
Classification: Likely pathogenic for Diamond-Blackfan anemia. Last evaluated: 2018-12-18. Review status: criteria provided, single submitter. Criteria: Invitae Variant Classification Sherloc (09022015). Collection method: clinical testing. Allele origin: germline.
Comment: This sequence change replaces leucine with proline at codon 109 of the RPL5 protein (p.Leu109Pro). The leucine residue is highly conserved and there is a moderate physicochemical difference between leucine and proline. In summary, the currently available evidence indicates that the variant is pathogenic, but additional data are needed to prove that conclusively. Therefore, this variant has been classified as Likely Pathogenic. Algorithms developed to predict the effect of missense changes on protein structure and function are either unavailable or do not agree on the potential impact of this missense change (SIFT: "Deleterious"; PolyPhen-2: "Probably Damaging"; Align-GVGD: "Class C0"). ClinVar contains an entry for this variant (Variation ID: 238199). This variant is not present in population databases (ExAC no frequency).